The following is an entry in ClinVar:

NM_001378183.1(PIEZO2):c.706A>G (p.Met236Val)

Gene: PIEZO2 (piezo type mechanosensitive ion channel component 2; minus strand). Cytogenetic location: 18p11.22.
Variant type: single nucleotide variant.
Coding change: c.706A>G on transcript NM_001378183.1 (MANE Select); coding-DNA position 706, A replaced by G.
Protein change: p.Met236Val; replaces methionine 236 with valine.
Molecular consequence: missense variant.
Genome position (GRCh38, 1-based): chr18:10,855,564, T>C on the plus strand (A>G on the coding strand, the complement: PIEZO2 is on the minus strand). VCF-style: chr18-10855564-T-C. GRCh37 (hg19) VCF-style: chr18-10855562-T-C.
Other names: c.706A>G, p.Met236Val (NM_022068.4); short protein forms M236V.
Identifiers: ClinVar variation 1475178 (VCV001475178.6), dbSNP rs2144694404, ClinGen allele CA402029240.

ClinVar aggregate classification (germline): Uncertain significance (1 of 4 stars; one submission).

Submission:

Labcorp Genetics (formerly Invitae), Labcorp
Classification: Uncertain significance. Last evaluated: 2022-09-13. Review status: criteria provided, single submitter. Criteria: Invitae Variant Classification Sherloc (09022015). Collection method: clinical testing. Allele origin: germline.
Comment: This sequence change replaces methionine, which is neutral and non-polar, with valine, which is neutral and non-polar, at codon 236 of the PIEZO2 protein (p.Met236Val). This variant is not present in population databases (gnomAD no frequency). This variant has not been reported in the literature in individuals affected with PIEZO2-related conditions. ClinVar contains an entry for this variant (Variation ID: 1475178). Algorithms developed to predict the effect of missense changes on protein structure and function (SIFT, PolyPhen-2, Align-GVGD) all suggest that this variant is likely to be tolerated. In summary, the available evidence is currently insufficient to determine the role of this variant in disease. Therefore, it has been classified as a Variant of Uncertain Significance.